The following is an entry in ClinVar:

NM_004431.5(EPHA2):c.1215C>T (p.His405=)

Gene: EPHA2 (EPH receptor A2; minus strand). Cytogenetic location: 1p36.13.
Variant type: single nucleotide variant.
Coding change: c.1215C>T on transcript NM_004431.5 (MANE Select); coding-DNA position 1215, C replaced by T.
Protein change: p.His405=; no amino-acid change (histidine 405 retained).
Molecular consequence: synonymous variant.
Genome position (GRCh38, 1-based): chr1:16,137,950, G>A on the plus strand (C>T on the coding strand, the complement: EPHA2 is on the minus strand). VCF-style: chr1-16137950-G-A. GRCh37 (hg19) VCF-style: chr1-16464445-G-A.
Other names: c.1053C>T, p.His351= (NM_001329090.2).
Identifiers: ClinVar variation 293435 (VCV000293435.7), dbSNP rs142848257, ClinGen allele CA625280.
Genomic context (GRCh38, chr1:16,137,950, plus strand): 5'-GCGGCTGGTTACCAGGCCTGAGACGCCATTGCGGGCCTCCACGGTGAAGGTGTAGTTCAT[G>A]TGGGGCTCCAGGTCGCTCACTGTCACACTGGTGCGGGTCAGTCCGTGAGGAGGCTCCGAG-3'
Protein context (NP_004422.2, residues 395-415): TSVTVSDLEP[His405=]MNYTFTVEAR

ClinVar aggregate classification (germline): Benign/Likely benign. Review status: criteria provided, multiple submitters, no conflicts (2 of 4 stars). 2 submissions from 2 submitters: Benign (1); Likely benign (1). Last evaluated 2024-08-04.

Conditions:
Cataract 6 multiple types. Also called: CATARACT 6, POSTERIOR POLAR; CATARACT 6, CONGENITAL TOTAL; CATARACT, AGE-RELATED CORTICAL, 2. Identifiers: Orphanet 91492, MedGen C1861825, MONDO:0007288, OMIM 116600.

Allele frequency attached by ClinVar (database versions not stated): gnomAD exomes 0.00008; ExAC 0.00010; gnomAD 0.00030 and 0.00033; TOPMed 0.00034; ESP Exome Variant Server 0.00038.
gnomAD v4.1: 81 of 1,614,068 alleles (0.005%); highest among the groups gnomAD compares: African/African-American, 0.1%; no homozygotes.

Submissions (2):

Labcorp Genetics (formerly Invitae), Labcorp
Classification: Likely benign for Cataract 6 multiple types. Last evaluated: 2024-08-04. Review status: criteria provided, single submitter. Criteria: Invitae Variant Classification Sherloc (09022015). Collection method: clinical testing. Allele origin: germline.

Illumina Laboratory Services, Illumina
Classification: Benign for Cataract 6 multiple types. Last evaluated: 2018-01-13. Review status: criteria provided, single submitter. Criteria: ICSL Variant Classification Criteria 13 December 2019. Collection method: clinical testing. Allele origin: germline.
Comment: This variant was observed in the ICSL laboratory as part of a predisposition screen in an ostensibly healthy population. It had not been previously curated by ICSL or reported in the Human Gene Mutation Database (HGMD: prior to June 1st, 2018), and was therefore a candidate for classification through an automated scoring system. Utilizing variant allele frequency, disease prevalence and penetrance estimates, and inheritance mode, an automated score was calculated to assess if this variant is too frequent to cause the disease. Based on the score and internal cut-off values, a variant classified as benign is not then subjected to further curation. The score for this variant resulted in a classification of benign for this disease.